The following is an entry in ClinVar:

NM_017780.4(CHD7):c.8509G>T (p.Glu2837Ter)

Gene: CHD7 (chromodomain helicase DNA binding protein 7; plus strand). Cytogenetic location: 8q12.2.
Variant type: single nucleotide variant.
Coding change: c.8509G>T on transcript NM_017780.4 (MANE Select); coding-DNA position 8509, G replaced by T.
Protein change: p.Glu2837Ter; replaces glutamic acid 2837 with a stop codon.
Molecular consequence: nonsense.
Genome position (GRCh38, 1-based): chr8:60,865,448, G>T. VCF-style: chr8-60865448-G-T. GRCh37 (hg19) VCF-style: chr8-61778007-G-T.
Other names: c.2362G>T, p.Glu788Ter (NM_001316690.1); short protein forms E2837*, E788*.
Identifiers: ClinVar variation 3062235 (VCV003062235.1), dbSNP rs773138428, ClinGen allele CA371310043.

ClinVar aggregate classification (germline): Likely pathogenic (1 of 4 stars; one submission).

Conditions:
CHARGE syndrome (CHARGE). Also called: Hittner Hirsch Kreh syndrome; CHARGE ASSOCIATION--COLOBOMA, HEART ANOMALY, CHOANAL ATRESIA, RETARDATION, GENITAL AND EAR ANOMALIES; Coloboma, heart anomaly, choanal atresia, retardation, genital and ear anomalies; CHARGE association; Hall-Hittner syndrome. Identifiers: Orphanet 138, MedGen C0265354, MONDO:0008965.

Submission:

Molecular Genetics Department, Kulakov National Medical Research Center for Obstetrics, Gynecology and Perinatology
Classification: Likely pathogenic for CHD7-related CHARGE syndrome. Review status: criteria provided, single submitter. Criteria: ACMG Guidelines, 2015. Collection method: clinical testing. Allele origin: germline. Affected: yes.
Comment: A previously undescribed nucleotide variant creates a premature translation stop signal p.Glu2837Ter in the CHD7 gene. Loss-of-function variants are reported in patients with CHARGE syndrome, 214800. The variant is not present in population database (gnomAD no frequency). In summary, the currently available evidence indicates that the variant is pathogenic, but additional data are needed to prove that conclusively. Therefore, this variant has been classified as likely pathogenic.